The following is an entry in ClinVar:

ClinVar aggregate classification (germline): Uncertain significance. Review status: criteria provided, multiple submitters, no conflicts (2 of 4 stars). 3 submissions from 3 submitters: Uncertain significance (3). Last evaluated 2024-06-14.

Conditions:
Inborn genetic diseases. Identifiers: MedGen C0950123, MeSH D030342.

Allele frequency attached by ClinVar (database versions not stated): ExAC 0.00001; gnomAD 0.00001; gnomAD exomes 0.00001 and 0.00003; TOPMed 0.00001.
gnomAD v4.1: 20 of 1,604,170 alleles (0.0012%); highest among the groups gnomAD compares: Middle Eastern, 0.049%; no homozygotes.

Submissions (3):

Mayo Clinic Laboratories, Mayo Clinic
Classification: Uncertain significance. Last evaluated: 2024-06-14. Review status: criteria provided, single submitter. Criteria: ACMG Guidelines, 2015. Collection method: clinical testing. Allele origin: germline. Observed: 1 variant allele.
Comment: BP4

Ambry Genetics
Classification: Uncertain significance for Inborn genetic diseases. Last evaluated: 2022-06-24. Review status: criteria provided, single submitter. Criteria: Ambry Variant Classification Scheme 2023. Collection method: clinical testing. Allele origin: germline.

ARUP Laboratories, Molecular Genetics and Genomics, ARUP Laboratories
Classification: Uncertain significance. Last evaluated: 2021-01-16. Review status: criteria provided, single submitter. Criteria: ARUP Molecular Germline Variant Investigation Process 2021. Collection method: clinical testing. Allele origin: germline.

NM_001355436.2(SPTB):c.5222C>T (p.Ala1741Val)

Gene: SPTB (spectrin beta, erythrocytic; minus strand). Cytogenetic location: 14q23.3.
Variant type: single nucleotide variant.
Coding change: c.5222C>T on transcript NM_001355436.2 (MANE Select); coding-DNA position 5222, C replaced by T.
Protein change: p.Ala1741Val; replaces alanine 1741 with valine.
Molecular consequence: missense variant.
Genome position (GRCh38, 1-based): chr14:64,772,911, G>A on the plus strand (C>T on the coding strand, the complement: SPTB is on the minus strand). VCF-style: chr14-64772911-G-A. GRCh37 (hg19) VCF-style: chr14-65239629-G-A.
Other names: NM_000347.5:c.5222C>T; p.Ala1741Val; c.5222C>T, p.Ala1741Val (NM_001024858.4, NM_001355437.2); short protein forms A1741V.
Identifiers: ClinVar variation 1330875 (VCV001330875.11), dbSNP rs745940095, ClinGen allele CA7230023.